The following is an entry in ClinVar:

NM_004360.5(CDH1):c.1937C>T (p.Thr646Ile)

Gene: CDH1 (cadherin 1; plus strand). Cytogenetic location: 16q22.1.
Variant type: single nucleotide variant.
Coding change: c.1937C>T on transcript NM_004360.5 (MANE Select); coding-DNA position 1937, C replaced by T.
Protein change: p.Thr646Ile; replaces threonine 646 with isoleucine.
Molecular consequence: missense variant. On other transcripts: 5 prime UTR variant (1).
Genome position (GRCh38, 1-based): chr16:68,823,399, C>T. VCF-style: chr16-68823399-C-T. GRCh37 (hg19) VCF-style: chr16-68857302-C-T.
Other names: c.1937C>T (NM_004360.3); c.1754C>T, p.Thr585Ile (NM_001317184.2); c.389C>T, p.Thr130Ile (NM_001317185.2); c.-29C>T (NM_001317186.2); short protein forms T585I, T130I, T646I.
Identifiers: ClinVar variation 1506897 (VCV001506897.8), dbSNP rs1331707958, ClinGen allele CA396467499.

ClinVar aggregate classification (germline): Uncertain significance. Review status: criteria provided, multiple submitters, no conflicts (2 of 4 stars). 3 submissions from 3 submitters: Uncertain significance (3). Last evaluated 2025-04-24.

Conditions:
Hereditary diffuse gastric adenocarcinoma (HDGC). Also called: DIFFUSE GASTRIC AND LOBULAR BREAST CANCER SYNDROME. Identifiers: Orphanet 26106, MedGen C1708349, MONDO:0007648, OMIM 137215.
Hereditary cancer-predisposing syndrome. Also called: Tumor predisposition; Hereditary neoplastic syndrome; Neoplastic Syndromes, Hereditary; Hereditary Cancer Syndrome. Identifiers: Orphanet 140162, MedGen C0027672, MeSH D009386, MONDO:0015356.

Submissions (3):

Labcorp Genetics (formerly Invitae), Labcorp
Classification: Uncertain significance for Hereditary diffuse gastric adenocarcinoma. Last evaluated: 2025-04-24. Review status: criteria provided, single submitter. Criteria: Invitae Variant Classification Sherloc (09022015). Collection method: clinical testing. Allele origin: germline.
Comment: This sequence change replaces threonine, which is neutral and polar, with isoleucine, which is neutral and non-polar, at codon 646 of the CDH1 protein (p.Thr646Ile). This variant is not present in population databases (gnomAD no frequency). This variant has not been reported in the literature in individuals affected with CDH1-related conditions. ClinVar contains an entry for this variant (Variation ID: 1506897). An algorithm developed to predict the effect of missense changes on protein structure and function (PolyPhen-2) suggests that this variant is likely to be tolerated. In summary, the available evidence is currently insufficient to determine the role of this variant in disease. Therefore, it has been classified as a Variant of Uncertain Significance.

GeneDx
Classification: Uncertain significance. Last evaluated: 2024-03-06. Review status: criteria provided, single submitter. Criteria: GeneDx Variant Classification Process June 2021. Collection method: clinical testing. Allele origin: germline. Affected: yes.
Comment: Not observed at significant frequency in large population cohorts (gnomAD); In silico analysis supports that this missense variant does not alter protein structure/function; Has not been previously published as pathogenic or benign to our knowledge; This variant is associated with the following publications: (PMID: 17434710, 15235021, 22850631)

Ambry Genetics
Classification: Uncertain significance for Hereditary cancer-predisposing syndrome. Last evaluated: 2024-01-07. Review status: criteria provided, single submitter. Criteria: Ambry Variant Classification Scheme 2023. Collection method: clinical testing. Allele origin: germline.
Comment: The p.T646I variant (also known as c.1937C>T) is located in coding exon 13 of the CDH1 gene. The threonine at codon 646 is replaced by isoleucine, an amino acid with similar properties. This change occurs in the first base pair of coding exon 13. This amino acid position is conserved. In addition, this alteration is predicted to be tolerated by in silico analysis. Since supporting evidence is limited at this time, the clinical significance of this alteration remains unclear.